The following is an entry in ClinVar:

NM_019098.5(CNGB3):c.59_61delinsCTGTCTCTTGTTCTCAT (p.Asn20fs)

Gene: CNGB3 (cyclic nucleotide gated channel subunit beta 3; minus strand). Cytogenetic location: 8q21.3.
Variant type: Indel.
Coding change: c.59_61delinsCTGTCTCTTGTTCTCAT on transcript NM_019098.5 (MANE Select); coding-DNA positions 59 to 61, ATG replaced by CTGTCTCTTGTTCTCAT.
Protein change: p.Asn20fs; shifts the reading frame from asparagine 20.
Molecular consequence: frameshift variant.
Genome position (GRCh38, 1-based): chr8:86,743,567-86,743,569, CAT replaced by ATGAGAACAAGAGACAG on the plus strand (ATG replaced by CTGTCTCTTGTTCTCAT on the coding strand, the reverse complement: CNGB3 is on the minus strand). VCF-style: chr8-86743567-CAT-ATGAGAACAAGAGACAG. GRCh37 (hg19) VCF-style: chr8-87755795-CAT-ATGAGAACAAGAGACAG.
Other names: short protein forms N20fs.
Identifiers: ClinVar variation 1726850 (VCV001726850.2), dbSNP rs2538196058, ClinGen allele CA2580078979.

ClinVar aggregate classification (germline): Likely pathogenic (1 of 4 stars; one submission).

Conditions:
Achromatopsia 3 (ACHM3). Also called: PINGELAPESE BLINDNESS; TOTAL COLORBLINDNESS WITH MYOPIA; ROD MONOCHROMACY 1; ROD MONOCHROMATISM 1; ACHROMATOPSIA WITH MYOPIA. Identifiers: Orphanet 49382, MedGen C1849792, MONDO:0009875, OMIM 262300.

Submission:

Myriad Genetics, Inc.
Classification: Likely pathogenic for Achromatopsia 3. Last evaluated: 2022-01-02. Review status: criteria provided, single submitter. Criteria: Myriad Women's Health Autosomal Recessive and X-Linked Classification Criteria (2021). Collection method: clinical testing. Allele origin: unknown.
Comment: NM_019098.4(CNGB3):c.59_61del3ins17(N20Tfs*68) is expected to be pathogenic in the context of CNGB3-related achromatopsia. This variant is predicted to lead to an abnormal or absent protein product due to the creation of a premature termination codon in CNGB3, a gene where loss-of-function variants are known to be pathogenic. Please note: this variant was assessed in the context of healthy population screening.